The following is an entry in ClinVar:

ClinVar aggregate classification (germline): Uncertain significance (1 of 4 stars; one submission).

Submission:

Ambry Genetics
Classification: Uncertain significance. Last evaluated: 2023-08-25. Review status: criteria provided, single submitter. Criteria: Ambry Variant Classification Scheme 2023. Collection method: clinical testing. Allele origin: germline.
Comment: The p.P3526S variant (also known as c.10576C>T), located in coding exon 74 of the PRKDC gene, results from a C to T substitution at nucleotide position 10576. The proline at codon 3526 is replaced by serine, an amino acid with similar properties. This amino acid position is conserved. In addition, this alteration is predicted to be deleterious by in silico analysis. Since supporting evidence is limited at this time, the clinical significance of this alteration remains unclear.

NM_006904.7(PRKDC):c.10576C>T (p.Pro3526Ser)

Gene: PRKDC (protein kinase, DNA-activated, catalytic subunit; minus strand). Cytogenetic location: 8q11.21.
Variant type: single nucleotide variant.
Coding change: c.10576C>T on transcript NM_006904.7 (MANE Select); coding-DNA position 10576, C replaced by T.
Protein change: p.Pro3526Ser; replaces proline 3526 with serine.
Molecular consequence: missense variant.
Genome position (GRCh38, 1-based): chr8:47,794,384, G>A on the plus strand (C>T on the coding strand, the complement: PRKDC is on the minus strand). VCF-style: chr8-47794384-G-A. GRCh37 (hg19) VCF-style: chr8-48706945-G-A.
Other names: c.10576C>T, p.Pro3526Ser (NM_001081640.2); short protein forms P3526S.
Identifiers: ClinVar variation 2624592 (VCV002624592.2), dbSNP rs2551862012, ClinGen allele CA371133895.